The following is an entry in ClinVar:

NM_006279.5(ST3GAL3):c.931C>T (p.Leu311=)

Gene: ST3GAL3 (ST3 beta-galactoside alpha-2,3-sialyltransferase 3; plus strand). Cytogenetic location: 1p34.1.
Variant type: single nucleotide variant.
Coding change: c.931C>T on transcript NM_006279.5 (MANE Select); coding-DNA position 931, C replaced by T.
Protein change: p.Leu311=; no amino-acid change (leucine 311 retained).
Molecular consequence: synonymous variant. On other transcripts: non-coding transcript variant (6), intron variant (11).
Genome position (GRCh38, 1-based): chr1:43,920,821, C>T. VCF-style: chr1-43920821-C-T. GRCh37 (hg19) VCF-style: chr1-44386493-C-T.
Other names: c.841C>T, p.Leu281= (NM_001270459.2); c.838C>T, p.Leu280= (NM_001270460.2); c.976C>T, p.Leu326= (NM_001350619.2, NM_174964.4); c.931C>T, p.Leu311= (NM_001350620.2); c.652C>T, p.Leu218= (NM_001350621.2); c.1138C>T, p.Leu380= (NM_174963.5); c.1093C>T, p.Leu365= (NM_174968.5); c.883C>T, p.Leu295= (NM_174969.4); and 12 more.
Identifiers: ClinVar variation 436876 (VCV000436876.35), dbSNP rs375217506, ClinGen allele CA814848.

ClinVar aggregate classification (germline): Likely benign. Review status: criteria provided, multiple submitters, no conflicts (2 of 4 stars). 3 submissions from 3 submitters: Likely benign (3). Last evaluated 2023-12-01.

Conditions:
Early-infantile DEE. Also called: Early infantile epileptic encephalopathy with suppression bursts; Ohtahara syndrome; Early infantile epileptic encephalopathy. Identifiers: Orphanet 1934, MedGen C0393706, MONDO:0800491.

Allele frequency attached by ClinVar (database versions not stated): gnomAD exomes below 0.00001 and 0.00001; TOPMed 0.00001; ExAC 0.00002; ESP Exome Variant Server 0.00015.

Submissions (3):

CeGaT Center for Human Genetics Tuebingen
Classification: Likely benign. Last evaluated: 2023-12-01. Review status: criteria provided, single submitter. Criteria: CeGaT Center For Human Genetics Tuebingen Variant Classification Criteria Version 2. Collection method: clinical testing. Allele origin: germline. Affected: yes. Observed: 1 variant allele.
Comment: ST3GAL3: BP4, BP7

Labcorp Genetics (formerly Invitae), Labcorp
Classification: Likely benign for Early-infantile DEE. Last evaluated: 2022-05-27. Review status: criteria provided, single submitter. Criteria: Invitae Variant Classification Sherloc (09022015). Collection method: clinical testing. Allele origin: germline.

Genetic Services Laboratory, University of Chicago
Classification: Likely benign. Last evaluated: 2016-06-28. Review status: criteria provided, single submitter. Criteria: ACMG Guidelines, 2015. Collection method: clinical testing. Allele origin: germline. Affected: no.